The following is an entry in ClinVar:

NM_001371623.1(TCOF1):c.548G>A (p.Gly183Glu)

Gene: TCOF1 (treacle ribosome biogenesis factor 1; plus strand). Cytogenetic location: 5q32.
Variant type: single nucleotide variant.
Coding change: c.548G>A on transcript NM_001371623.1 (MANE Select); coding-DNA position 548, G replaced by A.
Protein change: p.Gly183Glu; replaces glycine 183 with glutamic acid.
Molecular consequence: missense variant.
Genome position (GRCh38, 1-based): chr5:150,368,885, G>A. VCF-style: chr5-150368885-G-A. GRCh37 (hg19) VCF-style: chr5-149748448-G-A.
Other names: c.548G>A, p.Gly183Glu (NM_000356.4, NM_001008657.3, NM_001135243.2 and 3 more transcripts); short protein forms G183E.
Identifiers: ClinVar variation 1704824 (VCV001704824.3), dbSNP rs146951407, ClinGen allele CA3510584.
Genomic context (GRCh38, chr5:150,368,885, plus strand): 5'-CCTCAGCAAATACTACGTTGGTCTCAGAAACTGAGGAGGAGGGCAGCGTCCCGGCCTTTG[G>A]AGCTGCTGCCAAGCCTGGTAAGAAGTCCCCACCTCTAGGAACCTAGTCCCCAGAACTTGG-3'
Protein context (NP_001358552.1, residues 173-193): TEEEGSVPAF[Gly183Glu]AAAKPGMVSA

ClinVar aggregate classification (germline): Uncertain significance (1 of 4 stars; one submission).

Allele frequency attached by ClinVar (database versions not stated): gnomAD exomes 0.00001; ExAC 0.00003; ESP Exome Variant Server 0.00008; gnomAD 0.00010; TOPMed 0.00012.
gnomAD v4.1: 23 of 1,613,582 alleles (0.0014%); highest among the groups gnomAD compares: African/African-American, 0.029%; no homozygotes.

Submission:

GeneDx
Classification: Uncertain significance. Last evaluated: 2024-01-08. Review status: criteria provided, single submitter. Criteria: GeneDx Variant Classification Process June 2021. Collection method: clinical testing. Allele origin: germline. Affected: yes.
Comment: In silico analysis supports that this missense variant has a deleterious effect on protein structure/function; Has not been previously published as pathogenic or benign to our knowledge